The following is an entry in ClinVar:

NM_020297.4(ABCC9):c.1150C>T (p.Arg384Cys)

Gene: ABCC9 (ATP binding cassette subfamily C member 9; minus strand). Cytogenetic location: 12p12.1.
Variant type: single nucleotide variant.
Coding change: c.1150C>T on transcript NM_020297.4 (MANE Select); coding-DNA position 1150, C replaced by T.
Protein change: p.Arg384Cys; replaces arginine 384 with cysteine.
Molecular consequence: missense variant.
Genome position (GRCh38, 1-based): chr12:21,910,840, G>A on the plus strand (C>T on the coding strand, the complement: ABCC9 is on the minus strand). VCF-style: chr12-21910840-G-A. GRCh37 (hg19) VCF-style: chr12-22063774-G-A.
Other names: c.1150C>T, p.Arg384Cys (NM_001377273.1, NM_005691.4); c.286C>T, p.Arg96Cys (NM_001377274.1); short protein forms R96C, R384C.
Identifiers: ClinVar variation 2703429 (VCV002703429.3), dbSNP rs749318820, ClinGen allele CA6481727.

ClinVar aggregate classification (germline): Uncertain significance (1 of 4 stars; one submission).

Conditions:
Dilated cardiomyopathy 1O (CMD1O). Also called: CARDIOMYOPATHY, DILATED, WITH VENTRICULAR TACHYCARDIA. Identifiers: Orphanet 154, MedGen C1837839, MONDO:0012062, OMIM 608569.

Allele frequency attached by ClinVar (database versions not stated): ExAC 0.00001.
gnomAD v4.1: 3 of 1,611,868 alleles (0.00019%); highest among the groups gnomAD compares: South Asian, 0.0011%; no homozygotes.

Submission:

Labcorp Genetics (formerly Invitae), Labcorp
Classification: Uncertain significance for Dilated cardiomyopathy 1O. Last evaluated: 2025-02-04. Review status: criteria provided, single submitter. Criteria: Invitae Variant Classification Sherloc (09022015). Collection method: clinical testing. Allele origin: germline.
Comment: This sequence change replaces arginine, which is basic and polar, with cysteine, which is neutral and slightly polar, at codon 384 of the ABCC9 protein (p.Arg384Cys). This variant is present in population databases (rs749318820, gnomAD 0.003%). This variant has not been reported in the literature in individuals affected with ABCC9-related conditions. ClinVar contains an entry for this variant (Variation ID: 2703429). Invitae Evidence Modeling of protein sequence and biophysical properties (such as structural, functional, and spatial information, amino acid conservation, physicochemical variation, residue mobility, and thermodynamic stability) has been performed for this missense variant. However, the output from this modeling did not meet the statistical confidence thresholds required to predict the impact of this variant on ABCC9 protein function. In summary, the available evidence is currently insufficient to determine the role of this variant in disease. Therefore, it has been classified as a Variant of Uncertain Significance.